The following is an entry in ClinVar:

NM_001394062.1(MACF1):c.14262_14270delinsAGGTGAGCC (p.Gln4757Pro)

Gene: MACF1 (microtubule actin crosslinking factor 1; plus strand). Cytogenetic location: 1p34.3.
Variant type: Indel.
Coding change: c.14262_14270delinsAGGTGAGCC on transcript NM_001394062.1 (MANE Select); coding-DNA positions 14262 to 14270, TGGTGAGCA replaced by AGGTGAGCC.
Protein change: p.Gln4757Pro; replaces glutamine 4757 with proline.
Molecular consequence: missense variant.
Genome position (GRCh38, 1-based): chr1:39,385,847-39,385,855, TGGTGAGCA replaced by AGGTGAGCC. VCF-style: chr1-39385847-TGGTGAGCA-AGGTGAGCC. GRCh37 (hg19) VCF-style: chr1-39851519-TGGTGAGCA-AGGTGAGCC.
Other names: c.8076_8084delinsAGGTGAGCC, p.Gln2695Pro (NM_012090.5); short protein forms Q2695P, Q4757P.
Identifiers: ClinVar variation 1693409 (VCV001693409.2), dbSNP rs2148564657, ClinGen allele CA2580062714.

ClinVar aggregate classification (germline): Uncertain significance (1 of 4 stars; one submission).

Submission:

GeneDx
Classification: Uncertain significance. Last evaluated: 2022-01-04. Review status: criteria provided, single submitter. Criteria: GeneDx Variant Classification Process June 2021. Collection method: clinical testing. Allele origin: germline. Affected: yes.
Comment: Not observed at significant frequency in large population cohorts (gnomAD); In silico analysis supports a deleterious effect on protein structure/function; Has not been previously published as pathogenic or benign to our knowledge